The following is an entry in ClinVar:

NM_153006.3(NAGS):c.541A>G (p.Thr181Ala)

Gene: NAGS (N-acetylglutamate synthase; plus strand). Cytogenetic location: 17q21.31.
Variant type: single nucleotide variant.
Coding change: c.541A>G on transcript NM_153006.3 (MANE Select); coding-DNA position 541, A replaced by G.
Protein change: p.Thr181Ala; replaces threonine 181 with alanine.
Molecular consequence: missense variant.
Genome position (GRCh38, 1-based): chr17:44,005,751, A>G. VCF-style: chr17-44005751-A-G. GRCh37 (hg19) VCF-style: chr17-42083119-A-G.
Other names: short protein forms T181A.
Identifiers: ClinVar variation 2168077 (VCV002168077.2), dbSNP rs768079703, ClinGen allele CA8595164.

ClinVar aggregate classification (germline): Uncertain significance (1 of 4 stars; one submission).

Conditions:
Hyperammonemia, type III (NAGSD). Also called: Hyperammonemia due to N-acetylglutamate synthase deficiency. Identifiers: Orphanet 927, MedGen C0268543, MONDO:0009377, OMIM 237310.

Allele frequency attached by ClinVar (database versions not stated): ExAC 0.00006; TOPMed 0.00006; gnomAD 0.00007; gnomAD exomes 0.00012.

Submission:

Labcorp Genetics (formerly Invitae), Labcorp
Classification: Uncertain significance for Hyperammonemia, type III. Last evaluated: 2025-01-16. Review status: criteria provided, single submitter. Criteria: Invitae Variant Classification Sherloc (09022015). Collection method: clinical testing. Allele origin: germline.
Comment: This sequence change replaces threonine, which is neutral and polar, with alanine, which is neutral and non-polar, at codon 181 of the NAGS protein (p.Thr181Ala). This variant is present in population databases (rs768079703, gnomAD 0.04%). This variant has not been reported in the literature in individuals affected with NAGS-related conditions. ClinVar contains an entry for this variant (Variation ID: 2168077). Invitae Evidence Modeling of protein sequence and biophysical properties (such as structural, functional, and spatial information, amino acid conservation, physicochemical variation, residue mobility, and thermodynamic stability) indicates that this missense variant is not expected to disrupt NAGS protein function with a negative predictive value of 80%. In summary, the available evidence is currently insufficient to determine the role of this variant in disease. Therefore, it has been classified as a Variant of Uncertain Significance.